The following is an entry in ClinVar:

NM_014334.4(FRRS1L):c.-65C>G

Gene: FRRS1L (ferric chelate reductase 1 like; minus strand). Cytogenetic location: 9q31.3.
Variant type: single nucleotide variant.
Coding change: c.-65C>G on transcript NM_014334.4 (MANE Select); 65 bases upstream of the start codon, C replaced by G.
Molecular consequence: 5 prime UTR variant.
Genome position (GRCh38, 1-based): chr9:109,167,203, G>C on the plus strand (C>G on the coding strand, the complement: FRRS1L is on the minus strand). VCF-style: chr9-109167203-G-C. GRCh37 (hg19) VCF-style: chr9-111929483-G-C.
Identifiers: ClinVar variation 1441947 (VCV001441947.7), dbSNP rs1218516340, ClinGen allele CA374430940.

ClinVar aggregate classification (germline): Uncertain significance (1 of 4 stars; one submission).

Conditions:
Developmental and epileptic encephalopathy, 37 (DEE37). Also called: Epileptic encephalopathy, early infantile, 37. Identifiers: MedGen C4310770, MONDO:0014859, OMIM 616981.

Submission:

Labcorp Genetics (formerly Invitae), Labcorp
Classification: Uncertain significance for Developmental and epileptic encephalopathy, 37. Last evaluated: 2023-08-04. Review status: criteria provided, single submitter. Criteria: Invitae Variant Classification Sherloc (09022015). Collection method: clinical testing. Allele origin: germline.
Comment: This sequence change replaces proline, which is neutral and non-polar, with arginine, which is basic and polar, at codon 30 of the FRRS1L protein (p.Pro30Arg). The frequency data for this variant in the population databases is considered unreliable, as metrics indicate insufficient coverage at this position in the gnomAD database. This variant has not been reported in the literature in individuals affected with FRRS1L-related conditions. ClinVar contains an entry for this variant (Variation ID: 1441947). Experimental studies and prediction algorithms are not available or were not evaluated, and the functional significance of this variant is currently unknown. In summary, the available evidence is currently insufficient to determine the role of this variant in disease. Therefore, it has been classified as a Variant of Uncertain Significance.